The following is an entry in ClinVar:

NM_000049.4(ASPA):c.610G>C (p.Asp204His)

Genes: ASPA (aspartoacylase; plus strand), SPATA22 (spermatogenesis associated 22; minus strand). Cytogenetic location: 17p13.2.
Variant type: single nucleotide variant.
Coding change: c.610G>C on transcript NM_000049.4 (MANE Select); coding-DNA position 610, G replaced by C.
Protein change: p.Asp204His; replaces aspartic acid 204 with histidine.
Molecular consequence: missense variant. On other transcripts: intron variant (2).
Genome position (GRCh38, 1-based): chr17:3,489,318, G>C. VCF-style: chr17-3489318-G-C. GRCh37 (hg19) VCF-style: chr17-3392612-G-C.
Other names: c.610G>C, p.Asp204His (NM_001128085.1); c.-73-19920C>G (NM_001321336.2, NM_001321337.2); short protein forms D204H.
Identifiers: ClinVar variation 2137875 (VCV002137875.4), dbSNP rs2543636344, ClinGen allele CA397684618.

ClinVar aggregate classification (germline): Pathogenic/Likely pathogenic. Review status: criteria provided, multiple submitters, no conflicts (2 of 4 stars). 2 submissions from 2 submitters: Pathogenic (1); Likely pathogenic (1). Last evaluated 2024-03-17.

Conditions:
Spongy degeneration of central nervous system. Also called: ACY2 DEFICIENCY; AMINOACYLASE 2 DEFICIENCY; ASP DEFICIENCY; ASPA DEFICIENCY; ASPARTOACYLASE DEFICIENCY; CANAVAN-VAN BOGAERT-BERTRAND DISEASE. Identifiers: Orphanet 141, MedGen C0206307, MONDO:0010079, OMIM 271900.

Submissions (2):

Baylor Genetics
Classification: Likely pathogenic for Spongy degeneration of central nervous system. Last evaluated: 2024-03-17. Review status: criteria provided, single submitter. Criteria: ACMG Guidelines, 2015. Collection method: clinical testing. Allele origin: unknown.

Labcorp Genetics (formerly Invitae), Labcorp
Classification: Pathogenic for Spongy degeneration of central nervous system. Last evaluated: 2021-12-22. Review status: criteria provided, single submitter. Criteria: Invitae Variant Classification Sherloc (09022015). Collection method: clinical testing. Allele origin: germline.
Comment: This sequence change replaces aspartic acid, which is acidic and polar, with histidine, which is basic and polar, at codon 204 of the ASPA protein (p.Asp204His). This variant is not present in population databases (gnomAD no frequency). This missense change has been observed in individual(s) with Canavan disease (PMID: 28101991). Advanced modeling of protein sequence and biophysical properties (such as structural, functional, and spatial information, amino acid conservation, physicochemical variation, residue mobility, and thermodynamic stability) performed at Invitae indicates that this missense variant is expected to disrupt ASPA protein function. Experimental studies have shown that this missense change affects ASPA function (PMID: 28101991). For these reasons, this variant has been classified as Pathogenic.

Literature cited by the submitters: PubMed 28101991 (cited by Labcorp Genetics (formerly Invitae), Labcorp).